The following is an entry in ClinVar:

NM_020832.3(ZNF687):c.3697G>A (p.Ala1233Thr)

Gene: ZNF687 (zinc finger protein 687; plus strand). Cytogenetic location: 1q21.3.
Variant type: single nucleotide variant.
Coding change: c.3697G>A on transcript NM_020832.3 (MANE Select); coding-DNA position 3697, G replaced by A.
Protein change: p.Ala1233Thr; replaces alanine 1233 with threonine.
Molecular consequence: missense variant.
Genome position (GRCh38, 1-based): chr1:151,291,192, G>A. VCF-style: chr1-151291192-G-A. GRCh37 (hg19) VCF-style: chr1-151263668-G-A.
Other names: c.3697G>A, p.Ala1233Thr (NM_001304763.2, NM_001304764.2); short protein forms A1233T.
Identifiers: ClinVar variation 4734925 (VCV004734925.1).
Genomic context (GRCh38, chr1:151,291,192, plus strand): 5'-CTAAACCTCAAGACCCACTTCCGCACGCATGGCATGGCGTTCATCAGGGCTCGGCAGGGG[G>A]CTGTTGGGGACAACTAGTCTCCAAGGCCTGGGACTGACCAGCCCCTTCCTCTTGGAGCCT-3'
Protein context (NP_065883.1, residues 1223-1237): GMAFIRARQG[Ala1233Thr]VGDN

ClinVar aggregate classification (germline): Uncertain significance (1 of 4 stars; one submission).

gnomAD v4.1: 2 of 1,610,972 alleles (0.00012%); highest among the groups gnomAD compares: Non-Finnish European, 0.00017%; no homozygotes.

Submission:

Labcorp Genetics (formerly Invitae), Labcorp
Classification: Uncertain significance. Last evaluated: 2026-01-17. Review status: criteria provided, single submitter. Criteria: Invitae Variant Classification Sherloc (09022015). Collection method: clinical testing. Allele origin: germline.
Comment: This sequence change replaces alanine, which is neutral and non-polar, with threonine, which is neutral and polar, at codon 1233 of the ZNF687 protein (p.Ala1233Thr). This variant is not present in population databases (gnomAD no frequency). This variant has not been reported in the literature in individuals affected with ZNF687-related conditions. An algorithm developed to predict the effect of missense changes on protein structure and function (PolyPhen-2) suggests that this variant is likely to be tolerated. In summary, the available evidence is currently insufficient to determine the role of this variant in disease. Therefore, it has been classified as a Variant of Uncertain Significance.